The following is an entry in ClinVar:

ClinVar aggregate classification (germline): Uncertain significance. Review status: criteria provided, multiple submitters, no conflicts (2 of 4 stars). 2 submissions from 2 submitters: Uncertain significance (2). Last evaluated 2026-02-24.

Conditions:
CPE-related disorder. Also called: CPE-related condition.

gnomAD v4.1: 38 of 1,613,978 alleles (0.0024%); highest among the groups gnomAD compares: Admixed American, 0.005%; no homozygotes.

Submissions (2):

PreventionGenetics, part of Exact Sciences
Classification: Uncertain significance for CPE-related condition. Last evaluated: 2026-02-24. Review status: criteria provided, single submitter. Criteria: ACMG Guidelines, 2015. Collection method: clinical testing. Allele origin: germline.
Comment: The CPE c.1021G>A variant is predicted to result in the amino acid substitution p.Val341Met. To our knowledge, this variant has not been reported in the literature. This variant is reported in 0.0033% of alleles in individuals of South Asian descent in gnomAD. At this time, the clinical significance of this variant is uncertain due to the absence of conclusive functional and genetic evidence.

Blueprint Genetics
Classification: Uncertain significance. Last evaluated: 2024-09-20. Review status: criteria provided, single submitter. Criteria: ACMG Guidelines, 2015. Collection method: clinical testing. Allele origin: germline.

NM_001873.4(CPE):c.1021G>A (p.Val341Met)

Gene: CPE (carboxypeptidase E; plus strand). Cytogenetic location: 4q32.3.
Variant type: single nucleotide variant.
Coding change: c.1021G>A on transcript NM_001873.4 (MANE Select); coding-DNA position 1021, G replaced by A.
Protein change: p.Val341Met; replaces valine 341 with methionine.
Molecular consequence: missense variant.
Genome position (GRCh38, 1-based): chr4:165,487,485, G>A. VCF-style: chr4-165487485-G-A. GRCh37 (hg19) VCF-style: chr4-166408637-G-A.
Other names: c.1021G>A (NM_001873.3); short protein forms V341M.
Identifiers: ClinVar variation 4969013 (VCV004969013.2).
Genomic context (GRCh38, chr4:165,487,485, plus strand): 5'-GGTGTTTTGGCAGGGATGCAAGACTTCAATTACCTTAGCAGCAACTGTTTTGAGATCACC[G>A]TGGAGCTTAGCTGTGAGAAGTTCCCACCTGAAGAGACTCTGAAGACCTACTGGGAGGATA-3'
Protein context (NP_001864.1, residues 331-351): YLSSNCFEIT[Val341Met]ELSCEKFPPE